The following continues an entry in ClinVar:

NM_001048174.2(MUTYH):c.650G>A (p.Arg217His)

Gene: MUTYH. ClinVar aggregate classification (germline): Pathogenic/Likely pathogenic. Pathogenic (25); Likely pathogenic (4).

Submissions 26 to 32 of 32:

Women's Health and Genetics/Laboratory Corporation of America, LabCorp
Classification: Pathogenic for MUTYH-associated polyposis. Last evaluated: 2017-09-07. Review status: criteria provided, single submitter. Criteria: LabCorp Variant Classification Summary - May 2015. Collection method: clinical testing. Allele origin: germline.
Comment: Variant summary: The MUTYH c.734G>A (p.Arg245His) variant causes a missense change involving the alteration of a conserved nucleotide located in the DNA glycosylase domain and the Helix-turn-helix, base-excision DNA repair, C-terminal domain of the protein (InterPro). 4/4 in silico tools predict a damaging outcome for this variant (SNPsandGO not captured due to low reliability index). Functional assays showed the variant to be associated with defective glycosylase and DNA binding activity and concluded that this variant is functionally defective (Ali_2008, Komine_2015).The variant was found in the control population dataset of ExAC in 16/119648 control chromosomes at a frequency of 0.0001337, which does not exceed the estimated maximal expected allele frequency of a pathogenic MUTYH variant (0.0045644). This variant has been reported in numerous MUTYH-associated polyposis patients, in both homozygotes and compound heterozygotes (Aceto_2005, Vogt_2009). In addition, multiple clinical diagnostic laboratories/reputable databases classified this variant as pathogenic. Taken together, this variant is classified as pathogenic.

Fulgent Genetics
Classification: Pathogenic for Pilomatrixoma; Familial adenomatous polyposis 2; Gastric cancer. Last evaluated: 2017-05-18. Review status: criteria provided, single submitter. Criteria: ACMG Guidelines, 2015. Collection method: clinical testing. Allele origin: unknown.

Clinical Genetics and Genomics, Karolinska University Hospital
Classification: Pathogenic. Last evaluated: 2017-03-09. Review status: criteria provided, single submitter. Criteria: ACMG Guidelines, 2015. Collection method: clinical testing. Allele origin: germline. Affected: yes. Observed: 1 variant allele.

Juno Genomics, Hangzhou Juno Genomics, Inc
Classification: Pathogenic for Familial adenomatous polyposis 2. Review status: criteria provided, single submitter. Criteria: ACMG Guidelines, 2015. Collection method: clinical testing. Allele origin: germline.
Comment: Absent from controls (or at extremely low frequency if recessive) in Genome Aggregation Database.;Well-established in vitro or in vivo functional studies supportive of a damaging effect on the gene or gene product.;For recessive disorders, detected in trans with a pathogenic variant.

Medical Genetics Laboratory, Umraniye Training and Research Hospital, University of Health Sciences
Classification: Likely pathogenic for Breast carcinoma. Last evaluated: 2021-08-21. Review status: no assertion criteria provided. Collection method: clinical testing. Allele origin: germline. Inheritance: Autosomal recessive inheritance. Affected: yes. Observed: 1 variant allele, 1 heterozygote. Not counted in ClinVar's aggregate classification.
Comment: Invasive Breast Carcinoma EST= + PRO = - HER2 = - KI = 60-70%

Counsyl
Classification: Likely pathogenic for Familial adenomatous polyposis 2. Last evaluated: 2016-03-31. Review status: no assertion criteria provided. Collection method: clinical testing. Allele origin: unknown. Not counted in ClinVar's aggregate classification.

Department of Pathology and Laboratory Medicine, Sinai Health System
Classification: Pathogenic for Carcinoma of colon. Review status: no assertion criteria provided. Collection method: clinical testing. Allele origin: unknown. Affected: yes. Study: The Canadian Open Genetics Repository (COGR). Not counted in ClinVar's aggregate classification.
Comment: The MUTYH p.Arg245His variant was identified in 15 (2 homozygous, remainder were compound heterozygous) of 3360 proband chromosomes (frequency: 0.004) from individuals or families with MUTYH-associated adenomatous polyposis, familial adenomatous polyposis, or Lynch syndrome and was present in 1 of 2440 control chromosomes (frequency: 0.0004) from healthy individuals (Ruggieri 2013, Vogt 2009, Aceto 2005, Russell 2006, Yanus 2018, Yurgelun 2015). The variant was also identified in dbSNP (ID: rs140342925) as "With Pathogenic allele", ClinVar (classified as pathogenic by Invitae, Ambry Genetics, GeneDx and three other submitters; and classified as likely pathogenic by three submitters), COGR, and UMD-LSDB (23x as causal variant; co-occurring with multiple pathogenic MUTYH mutations). The variant was not identified in Cosmic or MutDB. The variant was identified in control databases in 22 of 276400 chromosomes at a frequency of 0.00008 (Genome Aggregation Database Feb 27, 2017). The variant was identified in the following populations: East Asian in 5 of 18840 chromosomes (freq: 0.0003), Other in 1 of 6454 chromosomes (freq: 0.0002), European in 15 of 126098 chromosomes (freq: 0.0001), and African in 1 of 23930 chromosomes (freq: 0.00004), while the variant was not observed in the Ashkenazi Jewish, Finnish, Latino, or South Asian populations. The p.Arg245 residue is conserved across mammals and other organisms and four out of five computational analyses (PolyPhen-2, SIFT, AlignGVGD, BLOSUM, MutationTaster) suggest that the variant may impact the protein; however, this information is not predictive enough to assume pathogenicity. The variant occurs outside of the splicing consensus sequence and in silico or computational prediction software programs (SpliceSiteFinder, MaxEntScan, NNSPLICE, GeneSplicer, HumanSpliceFinder) do not predict a difference in splicing. Multiple studies have demonstrated that the p.Arg245His variant has functionally reduced or abolished DNA binding and glycosylase activity (Ali 2008, Komine 2015, Ruggieri 2013, Grasso 2014). In summary, based on the above information, this variant meets our laboratoryâ€šÃ„Ã´s criteria to be classified as pathogenic.

Literature cited by the submitters: PubMed 16134147 (cited by 10 submitters); PubMed 16557584 (cited by 3 submitters); PubMed 19732775 (cited by 10 submitters); PubMed 23108399 (cited by 9 submitters); PubMed 24444654 (cited by 6 submitters); PubMed 26446593 (cited by 5 submitters); PubMed 17081686 (cited by Labcorp Genetics (formerly Invitae), Labcorp and Quest Diagnostics Nichols Institute San Juan Capistrano); PubMed 18534194 (cited by 9 submitters); PubMed 24569162 (cited by 8 submitters); PubMed 25820570 (cited by 8 submitters); PubMed 29406563 (cited by 6 submitters); PubMed 16287072 (cited by 3 submitters); PubMed 16455870 (cited by Ambry Genetics); PubMed 17949294 (cited by 4 submitters); PubMed 19394335 (cited by 4 submitters); PubMed 20618354 (cited by Ambry Genetics); PubMed 27829682 (cited by Ambry Genetics); PubMed 27870730 (cited by 3 submitters); PubMed 28551381 (cited by Ambry Genetics); PubMed 30604180 (cited by Ambry Genetics and Quest Diagnostics Nichols Institute San Juan Capistrano); PubMed 31942411 (cited by Ambry Genetics); PubMed 25590978 (cited by All of Us Research Program, National Institutes of Health and Color Diagnostics, LLC DBA Color Health); PubMed 29967336 (cited by All of Us Research Program, National Institutes of Health and Color Diagnostics, LLC DBA Color Health); PubMed 34704405 (cited by All of Us Research Program, National Institutes of Health and Color Diagnostics, LLC DBA Color Health); PubMed 19279422 (cited by Quest Diagnostics Nichols Institute San Juan Capistrano); PubMed 25980754 (cited by Quest Diagnostics Nichols Institute San Juan Capistrano and Laboratory for Molecular Medicine, Mass General Brigham Personalized Medicine); PubMed 29625052 (cited by Quest Diagnostics Nichols Institute San Juan Capistrano); PubMed 30564557 (cited by Quest Diagnostics Nichols Institute San Juan Capistrano); PubMed 30787465 (cited by Quest Diagnostics Nichols Institute San Juan Capistrano); PubMed 31159747 (cited by Quest Diagnostics Nichols Institute San Juan Capistrano); PubMed 31263571 (cited by Quest Diagnostics Nichols Institute San Juan Capistrano); PubMed 31589614 (cited by Quest Diagnostics Nichols Institute San Juan Capistrano); PubMed 32338768 (cited by Quest Diagnostics Nichols Institute San Juan Capistrano); PubMed 34426522 (cited by Quest Diagnostics Nichols Institute San Juan Capistrano); PubMed 28152038 (cited by Quest Diagnostics Nichols Institute San Juan Capistrano); PubMed 26556299 (cited by Quest Diagnostics Nichols Institute San Juan Capistrano); PubMed 33130102 (cited by Sema4).